The following is an entry in ClinVar:

ClinVar aggregate classification (germline): Likely benign. Review status: criteria provided, multiple submitters, no conflicts (2 of 4 stars). 2 submissions from 2 submitters: Likely benign (2). Last evaluated 2026-01-21.

Conditions:
Nemaline myopathy 2 (NEM2). Also called: Nemaline myopathy 2, autosomal recessive. Identifiers: MedGen C1850569, MONDO:0009725, OMIM 256030.

Submissions (2):

Women's Health and Genetics/Laboratory Corporation of America, LabCorp
Classification: Likely benign. Last evaluated: 2026-01-21. Review status: criteria provided, single submitter. Criteria: LabCorp Variant Classification Summary - May 2015. Collection method: clinical testing. Allele origin: germline.
Comment: Variant summary: NEB c.23941-9_23941-6dupATCT is located at a position not widely known to affect splicing. Consensus agreement among computation tools predicts no significant impact on normal splicing. However, these predictions have yet to be confirmed by functional studies. The variant allele was found at a frequency of 8.4e-06 in 237942 control chromosomes (gnomAD). The available data on variant occurrences in the general population are insufficient to allow any conclusion about variant significance. To our knowledge, no occurrence of c.23941-9_23941-6dupATCT in individuals affected with NEB-related conditions and no experimental evidence demonstrating its impact on protein function have been reported. ClinVar contains an entry for this variant (Variation ID: 1143608). Based on the evidence outlined above, the variant was classified as likely benign.

Labcorp Genetics (formerly Invitae), Labcorp
Classification: Likely benign for Nemaline myopathy 2. Last evaluated: 2025-04-21. Review status: criteria provided, single submitter. Criteria: Invitae Variant Classification Sherloc (09022015). Collection method: clinical testing. Allele origin: germline.

NM_001164508.2(NEB):c.23836-9_23836-6dup

Genes: NEB (nebulin; minus strand), RIF1 (replication timing regulatory factor 1; plus strand). Cytogenetic location: 2q23.3.
Variant type: Duplication.
Coding change: c.23836-9_23836-6dup on transcript NM_001164508.2 (MANE Select); 9 bases into the intron before coding-DNA position 23836 through 6 bases into the intron before coding-DNA position 23836, 4 bases duplicated (ATCT; older notation c.23836-9_23836-6dupATCT).
Molecular consequence: intron variant.
Genome position (GRCh38, 1-based): chr2:151,502,891-151,502,894, AGAT duplicated on the plus strand (ATCT on the coding strand, the reverse complement: NEB is on the minus strand); duplicating any 4 consecutive bases within chr2:151,502,891-151,502,895 gives the same sequence; the c. name uses the placement nearest the transcript's 3' end. VCF-style (leftmost placement, unchanged base first): chr2-151502890-G-GAGAT. GRCh37 (hg19) VCF-style: chr2-152359404-G-GAGAT.
Other names: c.18733-9_18733-6dup (NM_004543.5); c.23836-9_23836-6dup (NM_001164507.2); c.23941-9_23941-6dup (NM_001271208.2); c.23941-9_23941-6dupATCT (NM_001271208.2).
Identifiers: ClinVar variation 1143608 (VCV001143608.10), dbSNP rs773113491, ClinGen allele CA1906212.